The following is an entry in ClinVar:

ClinVar aggregate classification (germline): Uncertain significance. Review status: criteria provided, multiple submitters, no conflicts (2 of 4 stars). 2 submissions from 2 submitters: Uncertain significance (2). Last evaluated 2025-04-23.

Conditions:
RAB23-related disorder. Also called: RAB23-related condition.

Allele frequency attached by ClinVar (database versions not stated): gnomAD exomes 0.00001; TOPMed 0.00002; gnomAD 0.00004; ESP Exome Variant Server 0.00023.
gnomAD v4.1: 60 of 1,612,898 alleles (0.0037%); highest among the groups gnomAD compares: Non-Finnish European, 0.0051%; no homozygotes.

Submissions (2):

PreventionGenetics, part of Exact Sciences
Classification: Uncertain significance for RAB23-related condition. Last evaluated: 2025-04-23. Review status: criteria provided, single submitter. Criteria: ACMG Guidelines, 2015. Collection method: clinical testing. Allele origin: germline.
Comment: The RAB23 c.529A>C variant is predicted to result in the amino acid substitution p.Ile177Leu. To our knowledge, this variant has not been reported in the literature. This variant is reported in 0.0031% of alleles in individuals of European (Non-Finnish) descent in gnomAD. At this time, the clinical significance of this variant is uncertain due to the absence of conclusive functional and genetic evidence.

Genetic Services Laboratory, University of Chicago
Classification: Uncertain significance. Last evaluated: 2015-08-10. Review status: criteria provided, single submitter. Criteria: ACMG Guidelines, 2015. Collection method: clinical testing. Allele origin: germline. Affected: no.

NM_016277.5(RAB23):c.529A>C (p.Ile177Leu)

Gene: RAB23 (RAB23, member RAS oncogene family; minus strand). Cytogenetic location: 6p12.1.
Variant type: single nucleotide variant.
Coding change: c.529A>C on transcript NM_016277.5 (MANE Select); coding-DNA position 529, A replaced by C.
Protein change: p.Ile177Leu; replaces isoleucine 177 with leucine.
Molecular consequence: missense variant. On other transcripts: non-coding transcript variant (1).
Genome position (GRCh38, 1-based): chr6:57,193,887, T>G on the plus strand (A>C on the coding strand, the complement: RAB23 is on the minus strand). VCF-style: chr6-57193887-T-G. GRCh37 (hg19) VCF-style: chr6-57058685-T-G.
Other names: c.529A>C, p.Ile177Leu (NM_001278666.2, NM_001278667.2, NM_001278668.2 and 1 more transcripts); c.529A>C (NM_183227.2); short protein forms I177L.
Identifiers: ClinVar variation 436457 (VCV000436457.8), dbSNP rs138217647, ClinGen allele CA139736441.